The following is an entry in ClinVar:

NM_001366385.1(CARD14):c.1673G>C (p.Arg558Pro)

Gene: CARD14 (caspase recruitment domain family member 14; plus strand). Cytogenetic location: 17q25.3.
Variant type: single nucleotide variant.
Coding change: c.1673G>C on transcript NM_001366385.1 (MANE Select); coding-DNA position 1673, G replaced by C.
Protein change: p.Arg558Pro; replaces arginine 558 with proline.
Molecular consequence: missense variant. On other transcripts: non-coding transcript variant (1).
Genome position (GRCh38, 1-based): chr17:80,198,413, G>C. VCF-style: chr17-80198413-G-C. GRCh37 (hg19) VCF-style: chr17-78172212-G-C.
Other names: c.1673G>C, p.Arg558Pro (NM_024110.4, NM_001257970.1); c.962G>C, p.Arg321Pro (NM_052819.3); short protein forms R558P, R321P.
Identifiers: ClinVar variation 942469 (VCV000942469.10), dbSNP rs745339472, ClinGen allele CA401350838.

ClinVar aggregate classification (germline): Uncertain significance (1 of 4 stars; one submission).

Conditions:
Pityriasis rubra pilaris (PRP). Also called: Pityriasis rubra pilaris--familial type. Identifiers: Orphanet 2897, MedGen C0032027, MONDO:0100017, OMIM 173200, MONDO:0008251.
Psoriasis 2. Identifiers: MedGen C1864497, MONDO:0011269, OMIM 602723.

Submission:

Labcorp Genetics (formerly Invitae), Labcorp
Classification: Uncertain significance for Pityriasis rubra pilaris; Psoriasis 2. Last evaluated: 2019-09-26. Review status: criteria provided, single submitter. Criteria: Invitae Variant Classification Sherloc (09022015). Collection method: clinical testing. Allele origin: germline.
Comment: This sequence change replaces arginine with proline at codon 558 of the CARD14 protein (p.Arg558Pro). The arginine residue is highly conserved and there is a moderate physicochemical difference between arginine and proline. This variant is not present in population databases (ExAC no frequency). This variant has not been reported in the literature in individuals with CARD14-related conditions. Algorithms developed to predict the effect of missense changes on protein structure and function are either unavailable or do not agree on the potential impact of this missense change (SIFT: "Deleterious"; PolyPhen-2: "Probably Damaging"; Align-GVGD: "Class C0"). In summary, the available evidence is currently insufficient to determine the role of this variant in disease. Therefore, it has been classified as a Variant of Uncertain Significance.